The following is an entry in ClinVar:

NM_000090.4(COL3A1):c.1820C>T (p.Pro607Leu)

Gene: COL3A1 (collagen type III alpha 1 chain; plus strand). Cytogenetic location: 2q32.2.
Variant type: single nucleotide variant.
Coding change: c.1820C>T on transcript NM_000090.4 (MANE Select); coding-DNA position 1820, C replaced by T.
Protein change: p.Pro607Leu; replaces proline 607 with leucine.
Molecular consequence: missense variant.
Genome position (GRCh38, 1-based): chr2:188,997,340, C>T. VCF-style: chr2-188997340-C-T. GRCh37 (hg19) VCF-style: chr2-189862066-C-T.
Other names: short protein forms P607L.
Identifiers: ClinVar variation 404301 (VCV000404301.58), dbSNP rs1039226542, ClinGen allele CA16610548.

ClinVar aggregate classification (germline): Uncertain significance. Review status: criteria provided, multiple submitters, no conflicts (2 of 4 stars). 6 submissions from 6 submitters: Uncertain significance (6). Last evaluated 2025-03-06.

Conditions:
Ehlers-Danlos syndrome, type 4 (EDSVASC). Also called: Ehlers-Danlos Syndrome Type IV; Ehlers-Danlos syndrome vascular type; Ehlers Danlos syndrome, ecchymotic type; Ehlers Danlos syndrome, arterial type; Ehlers Danlos syndrome, Sack-Barabas type. Identifiers: Orphanet 286, MedGen C0268338, MONDO:0017314, OMIM 130050.
Polymicrogyria with or without vascular-type Ehlers-Danlos syndrome. Identifiers: Orphanet 636941, MedGen C5193040, MONDO:0032688, OMIM 618343.
Familial thoracic aortic aneurysm and aortic dissection (TAAD). Also called: Thoracic aortic aneurysms and dissections. Identifiers: Orphanet 91387, MedGen C4707243, MONDO:0019625.

Allele frequency attached by ClinVar (database versions not stated): gnomAD exomes below 0.00001 and 0.00002; TOPMed below 0.00001; gnomAD 0.00001.
gnomAD v4.1: 27 of 1,613,744 alleles (0.0017%); highest among the groups gnomAD compares: Non-Finnish European, 0.002%; no homozygotes.

Submissions (6):

Ambry Genetics
Classification: Uncertain significance for Familial thoracic aortic aneurysm and aortic dissection. Last evaluated: 2025-03-06. Review status: criteria provided, single submitter. Criteria: Ambry Variant Classification Scheme 2023. Collection method: clinical testing. Allele origin: germline.
Comment: The p.P607L variant (also known as c.1820C>T), located in coding exon 26 of the COL3A1 gene, results from a C to T substitution at nucleotide position 1820. The proline at codon 607 is replaced by leucine, an amino acid with similar properties. This amino acid position is not well conserved in available vertebrate species. In addition, this alteration is predicted to be tolerated by in silico analysis. Based on the available evidence, the clinical significance of this variant remains unclear.

Labcorp Genetics (formerly Invitae), Labcorp
Classification: Uncertain significance for Ehlers-Danlos syndrome, type 4. Last evaluated: 2024-11-19. Review status: criteria provided, single submitter. Criteria: Invitae Variant Classification Sherloc (09022015). Collection method: clinical testing. Allele origin: germline.
Comment: This sequence change replaces proline, which is neutral and non-polar, with leucine, which is neutral and non-polar, at codon 607 of the COL3A1 protein (p.Pro607Leu). This variant is present in population databases (no rsID available, gnomAD 0.0009%). This variant has not been reported in the literature in individuals affected with COL3A1-related conditions. ClinVar contains an entry for this variant (Variation ID: 404301). Invitae Evidence Modeling of protein sequence and biophysical properties (such as structural, functional, and spatial information, amino acid conservation, physicochemical variation, residue mobility, and thermodynamic stability) indicates that this missense variant is not expected to disrupt COL3A1 protein function with a negative predictive value of 95%. In summary, the available evidence is currently insufficient to determine the role of this variant in disease. Therefore, it has been classified as a Variant of Uncertain Significance.

Color Diagnostics, LLC DBA Color Health
Classification: Uncertain significance for Familial thoracic aortic aneurysm and aortic dissection. Last evaluated: 2024-03-06. Review status: criteria provided, single submitter. Criteria: ACMG Guidelines, 2015. Collection method: clinical testing. Allele origin: germline.
Comment: This missense variant replaces proline with leucine at codon 607 of the COL3A1 protein. Computational prediction suggests that this variant may not impact protein structure and function (internally defined REVEL score threshold <= 0.5, PMID: 27666373). To our knowledge, functional studies have not been reported for this variant. This variant has not been reported in individuals affected with COL3A1-related disorders in the literature. This variant has been identified in 1/251308 chromosomes in the general population by the Genome Aggregation Database (gnomAD). The available evidence is insufficient to determine the role of this variant in disease conclusively. Therefore, this variant is classified as a Variant of Uncertain Significance.

All of Us Research Program, National Institutes of Health
Classification: Uncertain significance for Ehlers-Danlos syndrome, type 4. Last evaluated: 2023-12-13. Review status: criteria provided, single submitter. Criteria: ACMG Guidelines, 2015. Collection method: clinical testing. Allele origin: germline. Inheritance: Autosomal dominant inheritance. Observed: 3 variant alleles, 3 heterozygotes.
Comment: This missense variant replaces proline with leucine at codon 607 of the COL3A1 protein. Computational prediction suggests that this variant may not impact protein structure and function (internally defined REVEL score threshold <= 0.5, PMID: 27666373). To our knowledge, functional studies have not been reported for this variant. This variant has not been reported in individuals affected with cardiovascular disorders in the literature. This variant has been identified in 1/251308 chromosomes in the general population by the Genome Aggregation Database (gnomAD). The available evidence is insufficient to determine the role of this variant in disease conclusively. Therefore, this variant is classified as a Variant of Uncertain Significance.

This study involves interpretation of variants in research participants for the purpose of population health screening. Participant phenotype was not available at the time of variant classification. Additional details can be found in publication PMID: 35346344, PMCID: PMC8962531

GeneDx
Classification: Uncertain significance. Last evaluated: 2023-06-06. Review status: criteria provided, single submitter. Criteria: GeneDx Variant Classification Process June 2021. Collection method: clinical testing. Allele origin: germline. Affected: yes.
Comment: Has not been previously published as pathogenic or benign to our knowledge; Not observed at significant frequency in large population cohorts (gnomAD); In silico analysis supports that this missense variant has a deleterious effect on protein structure/function; Occurs in the triple helical domain at the X position in the canonical Gly-X-Y repeat; although this variant may have an effect on normal protein folding and function, missense substitution at the X position is not a common mechanism of disease (HGMD)

Fulgent Genetics
Classification: Uncertain significance for Ehlers-Danlos syndrome, type 4; Polymicrogyria with or without vascular-type Ehlers-Danlos syndrome. Last evaluated: 2021-10-30. Review status: criteria provided, single submitter. Criteria: ACMG Guidelines, 2015. Collection method: clinical testing. Allele origin: unknown.